The following is an entry in ClinVar:

ClinVar aggregate classification (germline): Likely benign. Review status: criteria provided, multiple submitters, no conflicts (2 of 4 stars). 4 submissions from 4 submitters: Likely benign (4). Last evaluated 2024-08-05.

Conditions:
Cardiovascular phenotype. Identifiers: MedGen CN230736.
Catecholaminergic polymorphic ventricular tachycardia (CVPT). Also called: Catecholamine-induced polymorphic ventricular tachycardia. Identifiers: Orphanet 3286, MedGen C5574922, MONDO:0017990.
Catecholaminergic polymorphic ventricular tachycardia 1. Also called: VENTRICULAR TACHYCARDIA, CATECHOLAMINERGIC POLYMORPHIC, 1, WITH OR WITHOUT ATRIAL DYSFUNCTION AND/OR DILATED CARDIOMYOPATHY; VENTRICULAR TACHYCARDIA, STRESS-INDUCED POLYMORPHIC 1; RYR2-Related Catecholaminergic Polymorphic Ventricular Tachycardia. Identifiers: Orphanet 3286, MedGen C1631597, MONDO:0011484, OMIM 604772.
Cardiomyopathy (CMYO). Also called: Cardiomyopathies. Identifiers: Orphanet 167848, MedGen C0878544, MONDO:0004994, HP:0001638. Inheritance: Various modes of inheritance.

Allele frequency attached by ClinVar (database versions not stated): gnomAD exomes below 0.00001; gnomAD 0.00001.
gnomAD v4.1: 5 of 1,613,098 alleles (0.00031%); highest among the groups gnomAD compares: Non-Finnish European, 0.00042%; no homozygotes.

Submissions (4):

Labcorp Genetics (formerly Invitae), Labcorp
Classification: Likely benign for Catecholaminergic polymorphic ventricular tachycardia 1. Last evaluated: 2024-08-05. Review status: criteria provided, single submitter. Criteria: Invitae Variant Classification Sherloc (09022015). Collection method: clinical testing. Allele origin: germline.

All of Us Research Program, National Institutes of Health
Classification: Likely benign for Catecholaminergic polymorphic ventricular tachycardia. Last evaluated: 2023-12-01. Review status: criteria provided, single submitter. Criteria: ACMG Guidelines, 2015. Collection method: clinical testing. Allele origin: germline. Inheritance: Autosomal dominant inheritance. Observed: 2 variant alleles, 2 heterozygotes.
Comment: This study involves interpretation of variants in research participants for the purpose of population health screening. Participant phenotype was not available at the time of variant classification. Additional details can be found in publication PMID: 35346344, PMCID: PMC8962531

Ambry Genetics
Classification: Likely benign for Cardiovascular phenotype. Last evaluated: 2022-08-07. Review status: criteria provided, single submitter. Criteria: Ambry Variant Classification Scheme 2023. Collection method: clinical testing. Allele origin: germline.

Color Diagnostics, LLC DBA Color Health
Classification: Likely benign for Cardiomyopathy. Last evaluated: 2021-07-26. Review status: criteria provided, single submitter. Criteria: ACMG Guidelines, 2015. Collection method: clinical testing. Allele origin: germline.

NM_001035.3(RYR2):c.4641T>G (p.Ala1547=)

Gene: RYR2 (ryanodine receptor 2; plus strand). Cytogenetic location: 1q43.
Variant type: single nucleotide variant.
Coding change: c.4641T>G on transcript NM_001035.3 (MANE Select); coding-DNA position 4641, T replaced by G.
Protein change: p.Ala1547=; no amino-acid change (alanine 1547 retained).
Molecular consequence: synonymous variant.
Genome position (GRCh38, 1-based): chr1:237,602,069, T>G. VCF-style: chr1-237602069-T-G. GRCh37 (hg19) VCF-style: chr1-237765369-T-G.
Other names: c.4641T>G (NM_001035.2).
Identifiers: ClinVar variation 1332500 (VCV001332500.7), dbSNP rs1676561693, ClinGen allele CA423820770.
Genomic context (GRCh38, chr1:237,602,069, plus strand): 5'-ATTAAATGTATTTCAGGTGGAACCGAGTACAAAATTATTTCCTGCGGTTTTTGCACAAGC[T>G]ACAAGTCCCAATGTTTTCCAGTTTGAGTTGGGAAGAATAAAGGTAATAAAACTTATTCCT-3'
Protein context (NP_001026.2, residues 1537-1557): TKLFPAVFAQ[Ala1547=]TSPNVFQFEL